The following is an entry in ClinVar:

NM_001083116.3(PRF1):c.718C>T (p.Arg240Cys)

Gene: PRF1 (perforin 1; minus strand). Cytogenetic location: 10q22.1.
Variant type: single nucleotide variant.
Coding change: c.718C>T on transcript NM_001083116.3 (MANE Select); coding-DNA position 718, C replaced by T.
Protein change: p.Arg240Cys; replaces arginine 240 with cysteine.
Molecular consequence: missense variant.
Genome position (GRCh38, 1-based): chr10:70,599,003, G>A on the plus strand (C>T on the coding strand, the complement: PRF1 is on the minus strand). VCF-style: chr10-70599003-G-A. GRCh37 (hg19) VCF-style: chr10-72358759-G-A.
Other names: p.Arg240Cys; c.718C>T (NM_001083116.1); c.718C>T, p.Arg240Cys (NM_005041.6); short protein forms R240C.
Identifiers: ClinVar variation 1442436 (VCV001442436.7), dbSNP rs754850577, ClinGen allele CA5538935.

ClinVar aggregate classification (germline): Uncertain significance. Review status: criteria provided, multiple submitters, no conflicts (2 of 4 stars). 5 submissions from 5 submitters: Uncertain significance (5). Last evaluated 2025-04-03.

Conditions:
Familial hemophagocytic lymphohistiocytosis 2 (FHL2). Also called: PRF1-Related Familial Hemophagocytic Lymphohistiocytosis (PRF1-fHLH). Identifiers: Orphanet 540, MedGen C1863727, MONDO:0011337, OMIM 603553.
Lymphoma, non-Hodgkin, familial. Identifiers: MedGen C4721532, MONDO:0011508, OMIM 605027.
Aplastic anemia. Identifiers: Orphanet 182040, Orphanet 88, MedGen C0002874, MONDO:0015909, OMIM 609135, HP:0001915.
Inborn genetic diseases. Identifiers: MedGen C0950123, MeSH D030342.

Allele frequency attached by ClinVar (database versions not stated): gnomAD 0.00001; gnomAD exomes 0.00002 and 0.00004; TOPMed 0.00002; ExAC 0.00003.
gnomAD v4.1: 35 of 1,614,030 alleles (0.0022%); highest among the groups gnomAD compares: South Asian, 0.0044%; no homozygotes.

Submissions (5):

Ambry Genetics
Classification: Uncertain significance for Inborn genetic diseases. Last evaluated: 2025-04-03. Review status: criteria provided, single submitter. Criteria: Ambry Variant Classification Scheme 2023. Collection method: clinical testing. Allele origin: germline.

GeneDx
Classification: Uncertain significance. Last evaluated: 2025-03-24. Review status: criteria provided, single submitter. Criteria: GeneDx Variant Classification Process June 2021. Collection method: clinical testing. Allele origin: germline. Affected: yes.
Comment: In silico analysis supports that this missense variant has a deleterious effect on protein structure/function; Has not been previously published as pathogenic or benign to our knowledge

Mayo Clinic Laboratories, Mayo Clinic
Classification: Uncertain significance. Last evaluated: 2024-11-06. Review status: criteria provided, single submitter. Criteria: ACMG Guidelines, 2015. Collection method: clinical testing. Allele origin: germline. Observed: 1 variant allele.
Comment: PM1, PM2_supporting

Labcorp Genetics (formerly Invitae), Labcorp
Classification: Uncertain significance for Familial hemophagocytic lymphohistiocytosis 2. Last evaluated: 2022-08-31. Review status: criteria provided, single submitter. Criteria: Invitae Variant Classification Sherloc (09022015). Collection method: clinical testing. Allele origin: germline.
Comment: This sequence change replaces arginine, which is basic and polar, with cysteine, which is neutral and slightly polar, at codon 240 of the PRF1 protein (p.Arg240Cys). This variant is present in population databases (rs754850577, gnomAD 0.007%). This variant has not been reported in the literature in individuals affected with PRF1-related conditions. ClinVar contains an entry for this variant (Variation ID: 1442436). Algorithms developed to predict the effect of missense changes on protein structure and function output the following: SIFT: "Deleterious"; PolyPhen-2: "Possibly Damaging"; Align-GVGD: "Class C55". The cysteine amino acid residue is found in multiple mammalian species, which suggests that this missense change does not adversely affect protein function. In summary, the available evidence is currently insufficient to determine the role of this variant in disease. Therefore, it has been classified as a Variant of Uncertain Significance.

Fulgent Genetics
Classification: Uncertain significance for Familial hemophagocytic lymphohistiocytosis 2; Lymphoma, non-Hodgkin, familial; Aplastic anemia. Last evaluated: 2022-04-26. Review status: criteria provided, single submitter. Criteria: ACMG Guidelines, 2015. Collection method: clinical testing. Allele origin: unknown.